The following is an entry in ClinVar:

ClinVar aggregate classification (germline): Conflicting classifications of pathogenicity. Review status: criteria provided, conflicting classifications (1 of 4 stars). 2 submissions from 2 submitters: Uncertain significance (1); Likely benign (1). Last evaluated 2025-09-15.

Allele frequency attached by ClinVar (database versions not stated): 1000 Genomes Project 30x 0.00016.
gnomAD v4.1: 2 of 1,614,086 alleles (0.00012%); highest among the groups gnomAD compares: East Asian, 0.0045%; no homozygotes.

Submissions (2):

Labcorp Genetics (formerly Invitae), Labcorp
Classification: Likely benign. Last evaluated: 2025-09-15. Review status: criteria provided, single submitter. Criteria: Invitae Variant Classification Sherloc (09022015). Collection method: clinical testing. Allele origin: germline.

GeneDx
Classification: Uncertain significance. Last evaluated: 2022-10-28. Review status: criteria provided, single submitter. Criteria: GeneDx Variant Classification Process June 2021. Collection method: clinical testing. Allele origin: germline. Affected: yes.
Comment: Has not been previously published as pathogenic or benign to our knowledge; Not observed at significant frequency in large population cohorts (gnomAD); In silico analysis supports that this missense variant has a deleterious effect on protein structure/function

NM_080680.3(COL11A2):c.1637G>T (p.Arg546Leu)

Gene: COL11A2 (collagen type XI alpha 2 chain; minus strand). Cytogenetic location: 6p21.32.
Variant type: single nucleotide variant.
Coding change: c.1637G>T on transcript NM_080680.3 (MANE Select); coding-DNA position 1637, G replaced by T.
Protein change: p.Arg546Leu; replaces arginine 546 with leucine.
Molecular consequence: missense variant.
Genome position (GRCh38, 1-based): chr6:33,178,948, C>A on the plus strand (G>T on the coding strand, the complement: COL11A2 is on the minus strand). VCF-style: chr6-33178948-C-A. GRCh37 (hg19) VCF-style: chr6-33146725-C-A.
Other names: c.1316G>T, p.Arg439Leu (NM_080679.3); c.1379G>T, p.Arg460Leu (NM_080681.3); c.1637G>T (NM_080680.2); short protein forms R546L, R460L, R439L.
Identifiers: ClinVar variation 2049273 (VCV002049273.5), dbSNP rs199866657, ClinGen allele CA3751276.